The following is an entry in ClinVar:

NM_201378.4(PLEC):c.71-3826G>A

Genes: PLEC (plectin; minus strand), LOC130001342 (ATAC-STARR-seq lymphoblastoid silent region 19633; plus strand). Cytogenetic location: 8q24.3.
Variant type: single nucleotide variant.
Coding change: c.71-3826G>A on transcript NM_201378.4 (MANE Plus Clinical); 3826 bases into the intron before coding-DNA position 71, G replaced by A.
Molecular consequence: intron variant. On other transcripts: 5 prime UTR variant (1).
Genome position (GRCh38, 1-based): chr8:143,942,518, C>T on the plus strand (G>A on the coding strand, the complement: PLEC is on the minus strand). VCF-style: chr8-143942518-C-T. GRCh37 (hg19) VCF-style: chr8-145016686-C-T.
Other names: c.-3G>A (NM_201383.3); c.194-3826G>A (NM_001410941.1, NM_000445.5); c.47-3826G>A (NM_201379.3); c.524-3826G>A (NM_201380.4); c.16+2130G>A (NM_201381.3); c.112+1261G>A (NM_201382.4).
Identifiers: ClinVar variation 4977371 (VCV004977371.1).

ClinVar aggregate classification (germline): Likely benign (1 of 4 stars; one submission).

Conditions:
PLEC-related disorder. Also called: PLEC-related condition; PLEC-related disorders.

gnomAD v4.1: 71 of 1,564,176 alleles (0.0045%); highest among the groups gnomAD compares: East Asian, 0.063%; no homozygotes.

Submission:

PreventionGenetics, part of Exact Sciences
Classification: Likely benign for PLEC-related condition. Last evaluated: 2026-09-12. Review status: criteria provided, single submitter. Criteria: ACMG Guidelines, 2015. Collection method: clinical testing. Allele origin: germline.
Comment: This variant is classified as likely benign based on ACMG/AMP sequence variant interpretation guidelines (Richards et al. 2015 PMID: 25741868, with internal and published modifications).